The following is an entry in ClinVar:

ClinVar aggregate classification (germline): Uncertain significance. Review status: criteria provided, multiple submitters, no conflicts (2 of 4 stars). 3 submissions from 3 submitters: Uncertain significance (3). Last evaluated 2026-01-05.

Conditions:
Loeys-Dietz syndrome 2 (LDS2). Also called: TGFBR2-Related Loeys-Dietz Syndrome; AORTIC ANEURYSM, FAMILIAL THORACIC 3; MARFAN SYNDROME, TYPE II; Marfan syndrome, type 2 (formerly); Marfan Syndrome type 2; Marfan like connective tissue disorder. Identifiers: Orphanet 284973, Orphanet 558, MedGen C2674574, MONDO:0012427, OMIM 610168.

Allele frequency attached by ClinVar (database versions not stated): gnomAD exomes below 0.00001.
gnomAD v4.1: 2 of 1,614,100 alleles (0.00012%); highest among the groups gnomAD compares: Non-Finnish European, 0.00017%; no homozygotes.

Submissions (3):

Labcorp Genetics (formerly Invitae), Labcorp
Classification: Uncertain significance for Loeys-Dietz syndrome 2. Last evaluated: 2026-01-05. Review status: criteria provided, single submitter. Criteria: Invitae Variant Classification Sherloc (09022015). Collection method: clinical testing. Allele origin: germline.
Comment: This sequence change replaces arginine, which is basic and polar, with isoleucine, which is neutral and non-polar, at codon 411 of the TMPO protein (p.Arg411Ile). This variant is not present in population databases (gnomAD no frequency). This variant has not been reported in the literature in individuals affected with TMPO-related conditions. ClinVar contains an entry for this variant (Variation ID: 3223165). Invitae Evidence Modeling of protein sequence and biophysical properties (such as structural, functional, and spatial information, amino acid conservation, physicochemical variation, residue mobility, and thermodynamic stability) indicates that this missense variant is not expected to disrupt TMPO protein function with a negative predictive value of 80%. In summary, the available evidence is currently insufficient to determine the role of this variant in disease. Therefore, it has been classified as a Variant of Uncertain Significance.

Women's Health and Genetics/Laboratory Corporation of America, LabCorp
Classification: Uncertain significance. Last evaluated: 2025-11-01. Review status: criteria provided, single submitter. Criteria: LabCorp Variant Classification Summary - May 2015. Collection method: clinical testing. Allele origin: germline.

Ambry Genetics
Classification: Uncertain significance. Last evaluated: 2024-02-06. Review status: criteria provided, single submitter. Criteria: Ambry Variant Classification Scheme 2023. Collection method: clinical testing. Allele origin: germline.
Comment: The p.R411I variant (also known as c.1232G>T), located in coding exon 4 of the TMPO gene, results from a G to T substitution at nucleotide position 1232. The arginine at codon 411 is replaced by isoleucine, an amino acid with similar properties. This amino acid position is conserved. In addition, this alteration is predicted to be tolerated by in silico analysis. Based on the available evidence, the clinical significance of this alteration remains unclear.

NM_001032283.3(TMPO):c.565+1651G>T

Gene: TMPO (thymopoietin; plus strand). Cytogenetic location: 12q23.1.
Variant type: single nucleotide variant.
Coding change: c.565+1651G>T on transcript NM_001032283.3 (MANE Select); 1651 bases into the intron after coding-DNA position 565, G replaced by T.
Molecular consequence: intron variant. On other transcripts: missense variant (1).
Genome position (GRCh38, 1-based): chr12:98,533,489, G>T. VCF-style: chr12-98533489-G-T. GRCh37 (hg19) VCF-style: chr12-98927267-G-T.
Other names: c.1232G>T, p.Arg411Ile (NM_003276.2); c.565+1651G>T (NM_001307975.2, NM_001032284.3); short protein forms R411I.
Identifiers: ClinVar variation 3223165 (VCV003223165.3), dbSNP rs2548503761, ClinGen allele CA386152752.
Genomic context (GRCh38, chr12:98,533,489, plus strand): 5'-GTAGTTTGCCTGGAACTTCTAACTCTATGCCCCCACTGGATGTAGAAAACATACAGAAGA[G>T]AATTGATCAGTCTAAGTTTCAAGAAACTGAATTCCTGTCTCCTCCAAGAAAAGTCCCTAG-3'